The following is an entry in ClinVar:

NM_000291.4(PGK1):c.437A>T (p.Lys146Ile)

Gene: PGK1 (phosphoglycerate kinase 1; plus strand). Cytogenetic location: Xq21.1.
Variant type: single nucleotide variant.
Coding change: c.437A>T on transcript NM_000291.4 (MANE Select); coding-DNA position 437, A replaced by T.
Protein change: p.Lys146Ile; replaces lysine 146 with isoleucine.
Molecular consequence: missense variant.
Genome position (GRCh38, 1-based): chrX:78,117,331, A>T. VCF-style: chrX-78117331-A-T. GRCh37 (hg19) VCF-style: chrX-77372828-A-T.
Other names: short protein forms K146I.
Identifiers: ClinVar variation 1364870 (VCV001364870.8), dbSNP rs200372952, ClinGen allele CA331585828.

ClinVar aggregate classification (germline): Uncertain significance (1 of 4 stars; one submission).

Submission:

Labcorp Genetics (formerly Invitae), Labcorp
Classification: Uncertain significance. Last evaluated: 2024-02-24. Review status: criteria provided, single submitter. Criteria: Invitae Variant Classification Sherloc (09022015). Collection method: clinical testing. Allele origin: germline.
Comment: This sequence change replaces lysine, which is basic and polar, with isoleucine, which is neutral and non-polar, at codon 146 of the PGK1 protein (p.Lys146Ile). This variant is not present in population databases (gnomAD no frequency). This variant has not been reported in the literature in individuals affected with PGK1-related conditions. ClinVar contains an entry for this variant (Variation ID: 1364870). An algorithm developed to predict the effect of missense changes on protein structure and function (PolyPhen-2) suggests that this variant is likely to be tolerated. In summary, the available evidence is currently insufficient to determine the role of this variant in disease. Therefore, it has been classified as a Variant of Uncertain Significance.